The following is an entry in ClinVar:

NM_000023.4(SGCA):c.1076C>A (p.Thr359Asn)

Gene: SGCA (sarcoglycan alpha; plus strand). Cytogenetic location: 17q21.33.
Variant type: single nucleotide variant.
Coding change: c.1076C>A on transcript NM_000023.4 (MANE Select); coding-DNA position 1076, C replaced by A.
Protein change: p.Thr359Asn; replaces threonine 359 with asparagine.
Molecular consequence: missense variant. On other transcripts: non-coding transcript variant (1).
Genome position (GRCh38, 1-based): chr17:50,175,349, C>A. VCF-style: chr17-50175349-C-A. GRCh37 (hg19) VCF-style: chr17-48252710-C-A.
Other names: c.704C>A, p.Thr235Asn (NM_001135697.3); short protein forms T359N, T235N.
Identifiers: ClinVar variation 500012 (VCV000500012.14), dbSNP rs146924667, ClinGen allele CA8644080.

ClinVar aggregate classification (germline): Uncertain significance. Review status: criteria provided, multiple submitters, no conflicts (2 of 4 stars). 6 submissions from 6 submitters: Uncertain significance (5). 1 of the submissions does not count toward it. Last evaluated 2024-01-02.

Conditions:
Inborn genetic diseases. Identifiers: MedGen C0950123, MeSH D030342.
Autosomal recessive limb-girdle muscular dystrophy type 2D (LGMDR3). Also called: MUSCULAR DYSTROPHY, LIMB-GIRDLE, AUTOSOMAL RECESSIVE 3; ADHALINOPATHY, PRIMARY; DUCHENNE-LIKE AUTOSOMAL RECESSIVE MUSCULAR DYSTROPHY, TYPE 2. Identifiers: Orphanet 62, MedGen C2936332, MONDO:0011968, OMIM 608099. Disease mechanism: Affects gamma-sarcoglycan and also disrupts the integrity of the entire sarcoglycan complex..

Allele frequency attached by ClinVar (database versions not stated): TOPMed 0.00007; ESP Exome Variant Server 0.00008; gnomAD 0.00010 and 0.00011.
gnomAD v4.1: 108 of 1,612,356 alleles (0.0067%); highest among the groups gnomAD compares: Middle Eastern, 0.016%; 1 homozygote.

Submissions (6):

Ambry Genetics
Classification: Uncertain significance for Inborn genetic diseases. Last evaluated: 2024-01-02. Review status: criteria provided, single submitter. Criteria: Ambry Variant Classification Scheme 2023. Collection method: clinical testing. Allele origin: germline.

Genome-Nilou Lab
Classification: Uncertain significance for Autosomal recessive limb-girdle muscular dystrophy type 2D. Last evaluated: 2023-02-08. Review status: criteria provided, single submitter. Criteria: ACMG Guidelines, 2015. Collection method: clinical testing. Allele origin: germline.

Labcorp Genetics (formerly Invitae), Labcorp
Classification: Uncertain significance for Autosomal recessive limb-girdle muscular dystrophy type 2D. Last evaluated: 2022-08-09. Review status: criteria provided, single submitter. Criteria: Invitae Variant Classification Sherloc (09022015). Collection method: clinical testing. Allele origin: germline.
Comment: This sequence change replaces threonine, which is neutral and polar, with asparagine, which is neutral and polar, at codon 359 of the SGCA protein (p.Thr359Asn). This variant is present in population databases (rs146924667, gnomAD 0.01%). This variant has not been reported in the literature in individuals affected with SGCA-related conditions. ClinVar contains an entry for this variant (Variation ID: 500012). Advanced modeling of protein sequence and biophysical properties (such as structural, functional, and spatial information, amino acid conservation, physicochemical variation, residue mobility, and thermodynamic stability) performed at Invitae indicates that this missense variant is expected to disrupt SGCA protein function. Algorithms developed to predict the effect of sequence changes on RNA splicing suggest that this variant may create or strengthen a splice site. In summary, the available evidence is currently insufficient to determine the role of this variant in disease. Therefore, it has been classified as a Variant of Uncertain Significance.

Revvity Omics, Revvity
Classification: Uncertain significance for Autosomal recessive limb-girdle muscular dystrophy type 2D. Last evaluated: 2020-02-20. Review status: criteria provided, single submitter. Criteria: ACMG Guidelines, 2015. Collection method: clinical testing. Allele origin: germline.

Eurofins Ntd Llc (ga)
Classification: Uncertain significance. Last evaluated: 2017-01-20. Review status: criteria provided, single submitter. Criteria: EGL Classification Definitions 2015. Collection method: clinical testing. Allele origin: germline. Observed: 1 variant allele, 1 heterozygote.

Natera, Inc.
Classification: Uncertain significance for Limb-girdle muscular dystrophy type 2D. Last evaluated: 2020-01-24. Review status: no assertion criteria provided. Collection method: clinical testing. Allele origin: germline. Not counted in ClinVar's aggregate classification.